The following is an entry in ClinVar:

NM_000169.3(GLA):c.146G>C (p.Arg49Pro)

Genes: GLA (galactosidase alpha; minus strand), RPL36A-HNRNPH2 (RPL36A-HNRNPH2 readthrough; plus strand). Cytogenetic location: Xq22.1.
Variant type: single nucleotide variant.
Coding change: c.146G>C on transcript NM_000169.3 (MANE Select); coding-DNA position 146, G replaced by C.
Protein change: p.Arg49Pro; replaces arginine 49 with proline.
Molecular consequence: missense variant. On other transcripts: non-coding transcript variant (3), intron variant (2).
Genome position (GRCh38, 1-based): chrX:101,407,758, C>G on the plus strand (G>C on the coding strand, the complement: GLA is on the minus strand). VCF-style: chrX-101407758-C-G. GRCh37 (hg19) VCF-style: chrX-100662746-C-G.
Other names: c.146G>C, p.Arg49Pro (NM_001406747.1, NM_001406748.1, NM_001406749.1); c.301-4178C>G (NM_001199973.2); c.178-4178C>G (NM_001199974.2).
Identifiers: ClinVar variation 92545 (VCV000092545.10), dbSNP rs398123205, ClinGen allele CA021552.

ClinVar aggregate classification (germline): Pathogenic/Likely pathogenic. Review status: criteria provided, multiple submitters, no conflicts (2 of 4 stars). 3 submissions from 3 submitters: Pathogenic (2); Likely pathogenic (1). Last evaluated 2026-09-08.

Conditions:
Fabry disease. Also called: Ceramide trihexosidosis; Fabry's disease; HEREDITARY DYSTOPIC LIPIDOSIS; Angiokeratoma corporis diffusum; ALPHA-GALACTOSIDASE A DEFICIENCY; ANDERSON-FABRY DISEASE. Identifiers: Orphanet 324, MedGen C0002986, MONDO:0010526, OMIM 301500, HP:0001071. Disease mechanism: Fabry disease is due to inactivating mutations in the X-linked GLA gene resulting in deficiency of the enzyme Alpha Galactosidase-A., loss of function.

Submissions (3):

Genomenon, Inc
Classification: Pathogenic for Fabry disease. Last evaluated: 2026-09-08. Review status: criteria provided, single submitter. Criteria: Genomenon Sequence Variant Interpretation Standards - Updated. Collection method: curation. Allele origin: germline. Affected: yes.
Comment: GLA p.Arg49Pro (c.146G>C) is a missense variant that changes the amino acid at codon 49 from Arginine to Proline. This variant has been observed in at least one proband with clinical features consistent with Fabry disease (PMID:12428061;35680278;11668641;38002959;32843101;27657681). The variant was found to segregate with disease in at least one affected family (PMID:38002959). A de novo occurrence of this variant has been observed in at least one affected individual (PMID:32843101). At least one functional study has demonstrated a substantial alteration in protein function relative to the wild-type (PMID:27657681). This variant is located in a mutational hotspot and/or important functional domain. It is absent or not present at a significant frequency in gnomAD. In silico models predict that this variant is possibly or probably damaging. In conclusion, we classify GLA p.Arg49Pro (c.146G>C) as a pathogenic variant.

Labcorp Genetics (formerly Invitae), Labcorp
Classification: Pathogenic for Fabry disease. Last evaluated: 2023-04-28. Review status: criteria provided, single submitter. Criteria: Invitae Variant Classification Sherloc (09022015). Collection method: clinical testing. Allele origin: germline.
Comment: ClinVar contains an entry for this variant (Variation ID: 92545). This missense change has been observed in individual(s) with Fabry disease (PMID: 11668641, 12428061, 31996269; Invitae). This variant is not present in population databases (gnomAD no frequency). This sequence change replaces arginine, which is basic and polar, with proline, which is neutral and non-polar, at codon 49 of the GLA protein (p.Arg49Pro). For these reasons, this variant has been classified as Pathogenic. Advanced modeling of protein sequence and biophysical properties (such as structural, functional, and spatial information, amino acid conservation, physicochemical variation, residue mobility, and thermodynamic stability) performed at Invitae indicates that this missense variant is expected to disrupt GLA protein function.

Eurofins Ntd Llc (ga)
Classification: Likely pathogenic. Last evaluated: 2012-08-02. Review status: criteria provided, single submitter. Criteria: EGL Classification Definitions 2015. Collection method: clinical testing. Allele origin: germline. Observed: 1 variant allele, 1 heterozygote.

Literature cited by the submitters: PubMed 12428061 (cited by Genomenon, Inc and Labcorp Genetics (formerly Invitae), Labcorp); PubMed 35680278 (cited by Genomenon, Inc); PubMed 11668641 (cited by Genomenon, Inc and Labcorp Genetics (formerly Invitae), Labcorp); PubMed 38002959 (cited by Genomenon, Inc); PubMed 32843101 (cited by Genomenon, Inc); PubMed 27657681 (cited by Genomenon, Inc); PubMed 31996269 (cited by Labcorp Genetics (formerly Invitae), Labcorp).